The following is an entry in ClinVar:

ClinVar aggregate classification (germline): Uncertain significance (1 of 4 stars; one submission).

Conditions:
Ehlers-Danlos syndrome, spondylodysplastic type, 3. Also called: Ehlers-Danlos syndrome, spondylocheirodysplastic type. Identifiers: Orphanet 157965, MedGen C2676510, MONDO:0012873, OMIM 612350.

Submission:

Labcorp Genetics (formerly Invitae), Labcorp
Classification: Uncertain significance for Ehlers-Danlos syndrome, spondylodysplastic type, 3. Last evaluated: 2021-09-17. Review status: criteria provided, single submitter. Criteria: Invitae Variant Classification Sherloc (09022015). Collection method: clinical testing. Allele origin: germline.
Comment: In summary, the available evidence is currently insufficient to determine the role of this variant in disease. Therefore, it has been classified as a Variant of Uncertain Significance. Algorithms developed to predict the effect of sequence changes on RNA splicing suggest that this variant may create or strengthen a splice site. Algorithms developed to predict the effect of missense changes on protein structure and function (SIFT, PolyPhen-2, Align-GVGD) all suggest that this variant is likely to be disruptive. This variant has not been reported in the literature in individuals affected with SLC39A13-related conditions. This variant is not present in population databases (ExAC no frequency). This sequence change replaces leucine with valine at codon 109 of the SLC39A13 protein (p.Leu109Val). The leucine residue is highly conserved and there is a small physicochemical difference between leucine and valine.

NM_001128225.3(SLC39A13):c.325C>G (p.Leu109Val)

Gene: SLC39A13 (solute carrier family 39 member 13; plus strand). Cytogenetic location: 11p11.2.
Variant type: single nucleotide variant.
Coding change: c.325C>G on transcript NM_001128225.3 (MANE Select); coding-DNA position 325, C replaced by G.
Protein change: p.Leu109Val; replaces leucine 109 with valine.
Molecular consequence: missense variant. On other transcripts: non-coding transcript variant (1).
Genome position (GRCh38, 1-based): chr11:47,411,949, C>G. VCF-style: chr11-47411949-C-G. GRCh37 (hg19) VCF-style: chr11-47433500-C-G.
Other names: c.325C>G, p.Leu109Val (NM_001330245.2, NM_152264.5); short protein forms L109V.
Identifiers: ClinVar variation 1358468 (VCV001358468.5), dbSNP rs146848042, ClinGen allele CA380310570.